The following is an entry in ClinVar:

NM_004984.4(KIF5A):c.236A>G (p.Asn79Ser)

Gene: KIF5A (kinesin family member 5A; plus strand). Cytogenetic location: 12q13.3.
Variant type: single nucleotide variant.
Coding change: c.236A>G on transcript NM_004984.4 (MANE Select); coding-DNA position 236, A replaced by G.
Protein change: p.Asn79Ser; replaces asparagine 79 with serine.
Molecular consequence: missense variant. On other transcripts: intron variant (1).
Genome position (GRCh38, 1-based): chr12:57,563,638, A>G. VCF-style: chr12-57563638-A-G. GRCh37 (hg19) VCF-style: chr12-57957421-A-G.
Other names: c.130-822A>G (NM_001354705.2); short protein forms N79S.
Identifiers: ClinVar variation 1201241 (VCV001201241.12), dbSNP rs1299838179, ClinGen allele CA385493278.

ClinVar aggregate classification (germline): Uncertain significance. Review status: criteria provided, multiple submitters, no conflicts (2 of 4 stars). 3 submissions from 3 submitters: Uncertain significance (2). 1 of the submissions does not count toward it. Last evaluated 2025-02-18.

Conditions:
KIF5A-related disorder. Also called: KIF5A-related condition; KIF5A-related disorders.
Spastic paraplegia. Identifiers: MedGen C0037772, HP:0001258.

Allele frequency attached by ClinVar (database versions not stated): gnomAD exomes below 0.00001; TOPMed below 0.00001; gnomAD 0.00001.
gnomAD v4.1: 6 of 1,614,006 alleles (0.00037%); highest among the groups gnomAD compares: Non-Finnish European, 0.00051%; no homozygotes.

Submissions (3):

Labcorp Genetics (formerly Invitae), Labcorp
Classification: Uncertain significance for Spastic paraplegia. Last evaluated: 2025-02-18. Review status: criteria provided, single submitter. Criteria: Invitae Variant Classification Sherloc (09022015). Collection method: clinical testing. Allele origin: germline.
Comment: This sequence change replaces asparagine, which is neutral and polar, with serine, which is neutral and polar, at codon 79 of the KIF5A protein (p.Asn79Ser). This variant is present in population databases (no rsID available, gnomAD 0.0009%). This variant has not been reported in the literature in individuals affected with KIF5A-related conditions. ClinVar contains an entry for this variant (Variation ID: 1201241). Invitae Evidence Modeling of protein sequence and biophysical properties (such as structural, functional, and spatial information, amino acid conservation, physicochemical variation, residue mobility, and thermodynamic stability) has been performed for this missense variant. However, the output from this modeling did not meet the statistical confidence thresholds required to predict the impact of this variant on KIF5A protein function. In summary, the available evidence is currently insufficient to determine the role of this variant in disease. Therefore, it has been classified as a Variant of Uncertain Significance.

GeneDx
Classification: Uncertain significance. Last evaluated: 2019-10-11. Review status: criteria provided, single submitter. Criteria: GeneDx Variant Classification Process June 2021. Collection method: clinical testing. Allele origin: germline. Affected: yes.
Comment: In silico analysis, which includes protein predictors and evolutionary conservation, supports a deleterious effect; Has not been previously published as pathogenic or benign to our knowledge

PreventionGenetics, part of Exact Sciences
Classification: Uncertain significance for KIF5A-related condition. Last evaluated: 2024-05-02. Review status: no assertion criteria provided. Collection method: clinical testing. Allele origin: germline. Not counted in ClinVar's aggregate classification.
Comment: The KIF5A c.236A>G variant is predicted to result in the amino acid substitution p.Asn79Ser. To our knowledge, this variant has not been reported in the literature. This variant is reported in 0.00088% of alleles in individuals of European (Non-Finnish) descent in gnomAD. At this time, the clinical significance of this variant is uncertain due to the absence of conclusive functional and genetic evidence.